The following is an entry in ClinVar:

ClinVar aggregate classification (germline): Uncertain significance. Review status: criteria provided, multiple submitters, no conflicts (2 of 4 stars). 2 submissions from 2 submitters: Uncertain significance (2). Last evaluated 2025-08-21.

Allele frequency attached by ClinVar (database versions not stated): 1000 Genomes Project 30x 0.00031; ExAC 0.00004; gnomAD 0.00006; TOPMed 0.00006; gnomAD exomes 0.00008; 1000 Genomes Project 0.00020.
gnomAD v4.1: 128 of 1,613,052 alleles (0.0079%); highest among the groups gnomAD compares: Non-Finnish European, 0.01%; no homozygotes.

Submissions (2):

Ambry Genetics
Classification: Uncertain significance. Last evaluated: 2025-08-21. Review status: criteria provided, single submitter. Criteria: Ambry Variant Classification Scheme 2023. Collection method: clinical testing. Allele origin: germline.

GeneDx
Classification: Uncertain significance. Last evaluated: 2024-12-27. Review status: criteria provided, single submitter. Criteria: GeneDx Variant Classification Process June 2021. Collection method: clinical testing. Allele origin: germline. Affected: yes.
Comment: In silico analysis supports that this missense variant has a deleterious effect on protein structure/function; Has not been previously published as pathogenic or benign to our knowledge; Variants in candidate genes are classified as variants of uncertain significance in accordance with ACMG guidelines (PMID: 25741868)

NM_001347886.2(DNAH3):c.10966G>A (p.Asp3656Asn)

Gene: DNAH3 (dynein axonemal heavy chain 3; minus strand). Cytogenetic location: 16p12.3.
Variant type: single nucleotide variant.
Coding change: c.10966G>A on transcript NM_001347886.2 (MANE Select); coding-DNA position 10966, G replaced by A.
Protein change: p.Asp3656Asn; replaces aspartic acid 3656 with asparagine.
Molecular consequence: missense variant.
Genome position (GRCh38, 1-based): chr16:20,952,517, C>T on the plus strand (G>A on the coding strand, the complement: DNAH3 is on the minus strand). VCF-style: chr16-20952517-C-T. GRCh37 (hg19) VCF-style: chr16-20963839-C-T.
Other names: c.11104G>A, p.Asp3702Asn (NM_017539.2); short protein forms D3702N, D3656N.
Identifiers: ClinVar variation 2215111 (VCV002215111.4), dbSNP rs185222427, ClinGen allele CA7945860.